The following is an entry in ClinVar:

ClinVar aggregate classification (germline): Likely benign. Review status: criteria provided, single submitter (1 of 4 stars). 2 submissions from 2 submitters: Likely benign (1). 1 of the submissions does not count toward it. Last evaluated 2026-01-29.

Conditions:
TRIM32-related disorder. Also called: TRIM32-related condition.
Bardet-Biedl syndrome (BBS). Identifiers: Orphanet 110, MedGen C0752166, MONDO:0015229.

Allele frequency attached by ClinVar (database versions not stated): gnomAD exomes 0.00004 and 0.00006; gnomAD 0.00006; TOPMed 0.00006; ExAC 0.00007.
gnomAD v4.1: 76 of 1,614,040 alleles (0.0047%); highest among the groups gnomAD compares: Admixed American, 0.013%; no homozygotes.

Submissions (2):

Labcorp Genetics (formerly Invitae), Labcorp
Classification: Likely benign for Bardet-Biedl syndrome. Last evaluated: 2026-01-29. Review status: criteria provided, single submitter. Criteria: Invitae Variant Classification Sherloc (09022015). Collection method: clinical testing. Allele origin: germline.

PreventionGenetics, part of Exact Sciences
Classification: Likely benign for TRIM32-related condition. Last evaluated: 2021-05-11. Review status: no assertion criteria provided. Collection method: clinical testing. Allele origin: germline. Not counted in ClinVar's aggregate classification.
Comment: This variant is classified as likely benign based on ACMG/AMP sequence variant interpretation guidelines (Richards et al. 2015 PMID: 25741868, with internal and published modifications).

NM_012210.4(TRIM32):c.987G>A (p.Pro329=)

Genes: ASTN2 (astrotactin 2; minus strand), TRIM32 (tripartite motif containing 32; plus strand). Cytogenetic location: 9q33.1.
Variant type: single nucleotide variant.
Coding change: c.987G>A on transcript NM_012210.4 (MANE Select); coding-DNA position 987, G replaced by A.
Protein change: p.Pro329=; no amino-acid change (proline 329 retained).
Molecular consequence: synonymous variant. On other transcripts: intron variant (3).
Genome position (GRCh38, 1-based): chr9:116,698,729, G>A. VCF-style: chr9-116698729-G-A. GRCh37 (hg19) VCF-style: chr9-119461008-G-A.
Other names: c.2653+27042C>T (NM_014010.5); c.2794+27042C>T (NM_001365069.1); c.2806+27042C>T (NM_001365068.1); c.987G>A, p.Pro329= (NM_001099679.2, NM_001379048.1, NM_001379049.1 and 1 more transcripts).
Identifiers: ClinVar variation 1082793 (VCV001082793.11), dbSNP rs760513760, ClinGen allele CA5211084.
Genomic context (GRCh38, chr9:116,698,729, plus strand): 5'-GGAGGCCACAGCGTCTGCTGCCTCTACCTCTGTTACTTTTAGAGAGATGGACATGAGCCC[G>A]GAGGAAGTGGTTGCCAGCCCTAGGGCCTCACCTGCTAAACAGCGGGGTCCTGAGGCAGCC-3'
Protein context (NP_036342.2, residues 319-339): SVTFREMDMS[Pro329=]EEVVASPRAS